The following is an entry in ClinVar:

ClinVar aggregate classification (germline): Likely benign. Review status: criteria provided, multiple submitters, no conflicts (2 of 4 stars). 2 submissions from 2 submitters: Likely benign (2). Last evaluated 2025-12-01.

gnomAD v4.1: 86 of 1,613,914 alleles (0.0053%); highest among the groups gnomAD compares: African/African-American, 0.04%; no homozygotes.

Submissions (2):

CeGaT Center for Human Genetics Tuebingen
Classification: Likely benign. Last evaluated: 2025-12-01. Review status: criteria provided, single submitter. Criteria: CeGaT Center For Human Genetics Tuebingen Variant Classification Criteria Version 2. Collection method: clinical testing. Allele origin: germline. Affected: yes. Observed: 1 variant allele.
Comment: PHACTR1: BP4

Blueprint Genetics
Classification: Likely benign. Last evaluated: 2024-09-18. Review status: criteria provided, single submitter. Criteria: ACMG Guidelines, 2015. Collection method: clinical testing. Allele origin: germline.

NM_030948.6(PHACTR1):c.1069A>G (p.Met357Val)

Gene: PHACTR1 (phosphatase and actin regulator 1; plus strand). Cytogenetic location: 6p24.1.
Variant type: single nucleotide variant.
Coding change: c.1069A>G on transcript NM_030948.6 (MANE Select); coding-DNA position 1069, A replaced by G.
Protein change: p.Met357Val; replaces methionine 357 with valine.
Molecular consequence: missense variant.
Genome position (GRCh38, 1-based): chr6:13,227,898, A>G. VCF-style: chr6-13227898-A-G. GRCh37 (hg19) VCF-style: chr6-13228130-A-G.
Other names: c.1276A>G, p.Met426Val (NM_001322310.2, NM_001374582.1); c.793A>G, p.Met265Val (NM_001322311.2, NM_001322312.3, NM_001374583.2); c.1000A>G, p.Met334Val (NM_001322313.2); c.1279A>G, p.Met427Val (NM_001322314.4); c.1069A>G, p.Met357Val (NM_001374581.2, NM_001242648.4, NM_001322308.3 and 1 more transcripts); short protein forms M265V, M334V, M357V, M426V, M427V.
Identifiers: ClinVar variation 4681581 (VCV004681581.6).
Genomic context (GRCh38, chr6:13,227,898, plus strand): 5'-TCCACTTCTTACCACAGCTCTGGGTTGCACTCGGGTGATGGGGTCACCAAAGCAGGACCT[A>G]TGGGCCTTCCAGAAATAAGACAAGTGCCAACTGTTGTGATTGAATGTGATGACAATAAAG-3'
Protein context (NP_112210.1, residues 347-367): SGDGVTKAGP[Met357Val]GLPEIRQVPT